The following is an entry in ClinVar:

NM_006946.4(SPTBN2):c.2816+11G>T

Gene: SPTBN2 (spectrin beta, non-erythrocytic 2; minus strand). Cytogenetic location: 11q13.2.
Variant type: single nucleotide variant.
Coding change: c.2816+11G>T on transcript NM_006946.4 (MANE Select); 11 bases into the intron after coding-DNA position 2816, G replaced by T.
Molecular consequence: intron variant.
Genome position (GRCh38, 1-based): chr11:66,701,573, C>A on the plus strand (G>T on the coding strand, the complement: SPTBN2 is on the minus strand). VCF-style: chr11-66701573-C-A. GRCh37 (hg19) VCF-style: chr11-66469044-C-A.
Other names: c.2837+11G>T (NM_001411025.1).
Identifiers: ClinVar variation 2682579 (VCV002682579.1), dbSNP rs2276140, ClinGen allele CA2697548773.

ClinVar aggregate classification (germline): Likely benign (1 of 4 stars; one submission).

Submission:

Women's Health and Genetics/Laboratory Corporation of America, LabCorp
Classification: Likely benign. Last evaluated: 2023-11-16. Review status: criteria provided, single submitter. Criteria: LabCorp Variant Classification Summary - May 2015. Collection method: clinical testing. Allele origin: germline.
Comment: Variant summary: SPTBN2 c.2816+11G>T alters a non-conserved nucleotide located at a position not widely known to affect splicing. Consensus agreement among computation tools predict no significant impact on normal splicing. However, these predictions have yet to be confirmed by functional studies. The variant was absent in 251348 control chromosomes (gnomAD). The available data on variant occurrences in the general population are insufficient to allow any conclusion about variant significance. To our knowledge, no occurrence of c.2816+11G>T in individuals affected with Spinocerebellar Ataxia and no experimental evidence demonstrating its impact on protein function have been reported. No submitters have cited clinical-significance assessments for this variant to ClinVar after 2014. Based on the evidence outlined above, the variant was classified as likely benign.